The following is an entry in ClinVar:

ClinVar aggregate classification (germline): Uncertain significance (1 of 4 stars; one submission).

gnomAD v4.1: 1 of 1,614,260 alleles (0.000062%); highest among the groups gnomAD compares: East Asian, 0.0022%; no homozygotes.

Submission:

Labcorp Genetics (formerly Invitae), Labcorp
Classification: Uncertain significance. Last evaluated: 2022-05-12. Review status: criteria provided, single submitter. Criteria: Invitae Variant Classification Sherloc (09022015). Collection method: clinical testing. Allele origin: germline.
Comment: This sequence change replaces alanine, which is neutral and non-polar, with serine, which is neutral and polar, at codon 2093 of the GPR179 protein (p.Ala2093Ser). This variant is not present in population databases (gnomAD no frequency). This variant has not been reported in the literature in individuals affected with GPR179-related conditions. Algorithms developed to predict the effect of missense changes on protein structure and function are either unavailable or do not agree on the potential impact of this missense change (SIFT: "Deleterious"; PolyPhen-2: "Possibly Damaging"; Align-GVGD: "Class C0"). In summary, the available evidence is currently insufficient to determine the role of this variant in disease. Therefore, it has been classified as a Variant of Uncertain Significance.

NM_001004334.4(GPR179):c.6277G>T (p.Ala2093Ser)

Gene: GPR179 (G protein-coupled receptor 179; minus strand). Cytogenetic location: 17q12.
Variant type: single nucleotide variant.
Coding change: c.6277G>T on transcript NM_001004334.4 (MANE Select); coding-DNA position 6277, G replaced by T.
Protein change: p.Ala2093Ser; replaces alanine 2093 with serine.
Molecular consequence: missense variant.
Genome position (GRCh38, 1-based): chr17:38,327,292, C>A on the plus strand (G>T on the coding strand, the complement: GPR179 is on the minus strand). VCF-style: chr17-38327292-C-A. GRCh37 (hg19) VCF-style: chr17-36483175-C-A.
Other names: short protein forms A2093S.
Identifiers: ClinVar variation 2100125 (VCV002100125.1), dbSNP rs1567721877, ClinGen allele CA398869786.
Genomic context (GRCh38, chr17:38,327,292, plus strand): 5'-CCGCTACCCTGGTCTCCACACTGCCTGCTGCCTCAGAACTGCCTCTGCTTCTGTCAGAAG[C>A]ATCTGGGGCTGGCTGTGGGGACAGACCCTTGCCATCTTGACTCTCCCAGGGACACACAGC-3'
Protein context (NP_001004334.3, residues 2083-2103): KGLSPQPAPD[Ala2093Ser]SDRSRGSSEA